The following is an entry in ClinVar:

NM_001903.5(CTNNA1):c.1594G>A (p.Glu532Lys)

Gene: CTNNA1 (catenin alpha 1; plus strand). Cytogenetic location: 5q31.2.
Variant type: single nucleotide variant.
Coding change: c.1594G>A on transcript NM_001903.5 (MANE Select); coding-DNA position 1594, G replaced by A.
Protein change: p.Glu532Lys; replaces glutamic acid 532 with lysine.
Molecular consequence: missense variant.
Genome position (GRCh38, 1-based): chr5:138,924,557, G>A. VCF-style: chr5-138924557-G-A. GRCh37 (hg19) VCF-style: chr5-138260246-G-A.
Other names: c.1594G>A, p.Glu532Lys (NM_001290307.3, NM_001323982.2, NM_001323983.1 and 2 more transcripts); c.1285G>A, p.Glu429Lys (NM_001290309.3); c.1225G>A, p.Glu409Lys (NM_001290310.3); c.484G>A, p.Glu162Lys (NM_001290312.1, NM_001323992.1, NM_001323993.1 and 17 more transcripts); c.391G>A, p.Glu131Lys (NM_001324011.1); c.241G>A, p.Glu81Lys (NM_001324012.1, NM_001324013.1); c.1501G>A, p.Glu501Lys (NM_001323986.2); c.145G>A, p.Glu49Lys (NM_001324006.1, NM_001324007.1, NM_001324008.1 and 2 more transcripts); short protein forms E162K, E49K, E501K, E409K, E532K, E81K, E131K, E429K.
Identifiers: ClinVar variation 1474772 (VCV001474772.6), dbSNP rs1335925565, ClinGen allele CA361131781.

ClinVar aggregate classification (germline): Uncertain significance (1 of 4 stars; one submission).

Allele frequency attached by ClinVar (database versions not stated): gnomAD exomes below 0.00001; TOPMed below 0.00001; gnomAD 0.00001.
gnomAD v4.1: 2 of 1,614,106 alleles (0.00012%); highest among the groups gnomAD compares: Non-Finnish European, 0.00017%; no homozygotes.

Submission:

Labcorp Genetics (formerly Invitae), Labcorp
Classification: Uncertain significance. Last evaluated: 2021-10-07. Review status: criteria provided, single submitter. Criteria: Invitae Variant Classification Sherloc (09022015). Collection method: clinical testing. Allele origin: germline.
Comment: In summary, the available evidence is currently insufficient to determine the role of this variant in disease. Therefore, it has been classified as a Variant of Uncertain Significance. Algorithms developed to predict the effect of missense changes on protein structure and function are either unavailable or do not agree on the potential impact of this missense change (SIFT: "Deleterious"; PolyPhen-2: "Possibly Damaging"; Align-GVGD: "Class C0"). This variant has not been reported in the literature in individuals affected with CTNNA1-related conditions. This variant is not present in population databases (ExAC no frequency). This sequence change replaces glutamic acid with lysine at codon 532 of the CTNNA1 protein (p.Glu532Lys). The glutamic acid residue is highly conserved and there is a small physicochemical difference between glutamic acid and lysine.